The following is an entry in ClinVar:

ClinVar aggregate classification (germline): Pathogenic (1 of 4 stars; one submission).

Submission:

Labcorp Genetics (formerly Invitae), Labcorp
Classification: Pathogenic. Last evaluated: 2024-02-14. Review status: criteria provided, single submitter. Criteria: Invitae Variant Classification Sherloc (09022015). Collection method: clinical testing. Allele origin: germline.
Comment: This sequence change creates a premature translational stop signal (p.Pro628Hisfs*191) in the ADAMTSL4 gene. It is expected to result in an absent or disrupted protein product. Loss-of-function variants in ADAMTSL4 are known to be pathogenic (PMID: 20564469, 28642162). This variant is not present in population databases (gnomAD no frequency). This variant has not been reported in the literature in individuals affected with ADAMTSL4-related conditions. For these reasons, this variant has been classified as Pathogenic.

Literature cited by the submitters: PubMed 20564469; PubMed 28642162.

NM_019032.6(ADAMTSL4):c.1883del (p.Pro628fs)

Genes: ADAMTSL4 (ADAMTS like 4; plus strand), ADAMTSL4-AS2 (ADAMTSL4 antisense RNA 2; minus strand). Cytogenetic location: 1q21.2.
Variant type: Deletion.
Coding change: c.1883del on transcript NM_019032.6 (MANE Select); coding-DNA position 1883, one base deleted (C; older notation c.1883delC).
Protein change: p.Pro628fs; shifts the reading frame from proline 628.
Molecular consequence: frameshift variant. On other transcripts: intron variant (1).
Genome position (GRCh38, 1-based): chr1:150,557,171, C deleted; the last of 5 consecutive C bases (chr1:150,557,167-150,557,171); deleting any one gives the same sequence. VCF-style (leftmost placement, unchanged base first): chr1-150557166-GC-G. GRCh37 (hg19) VCF-style: chr1-150529642-GC-G.
Other names: c.1952del, p.Pro651fs (NM_001288608.2); c.1883del, p.Pro628fs (NM_001378596.1, NM_025008.5); c.1857-91del (NM_001288607.2); short protein forms P651fs, P628fs.
Identifiers: ClinVar variation 3640897 (VCV003640897.2).
Genomic context (GRCh38, chr1:150,557,166, plus strand): 5'-CGGGGCAGTGGGGTGGCATCTGATTCGCCTGCTCCCCTGCACAGAGATTCTGAGGGTGGA[GC>G]CCCCACTTGCTCCGGCACCCCGCCCAGCCCGGACCCCAGGCACCCTCCAGCGTCAGGTGC-3'